The following is an entry in ClinVar:

GRCh37/hg19 15q11.2(chr15:22833171-23220132)x1

Genes: CYFIP1 (cytoplasmic FMR1 interacting protein 1; minus strand), NIPA1 (NIPA magnesium transporter 1; plus strand), NIPA2 (NIPA magnesium transporter 2; plus strand), TUBGCP5 (tubulin gamma complex associated protein 5; minus strand). Cytogenetic location: 15q11.2.
Variant type: copy number loss.
Change: copy number 1 (one copy instead of two) of chr15:22,833,171-23,220,132 (387.0 kb, GRCh37 coordinates, 1-based), cytogenetic band 15q11.2.
Identifiers: ClinVar variation 988927 (VCV000988927.4).

ClinVar aggregate classification (germline): Pathogenic (1 of 4 stars; one submission).

Submission:

Illumina Laboratory Services, Illumina
Classification: Pathogenic. Last evaluated: 2020-04-17. Review status: criteria provided, single submitter. Criteria: ICSL CNVClassificationCriteria Aug2020. Collection method: clinical testing. Allele origin: unknown.
Comment: This CNV is a 387 kb deletion of 15q11.2, on chromosome 15, seq[GRCH37]del(15)(q11.2); chr15:g.22833171_23220132del, which is inherited. The CNV constitutes a loss of seven genes: WHAMMP3, LOC729900, LOC283683, NIPA1, NIPA2, CYFIP1 and TUBGCP5. The CNV overlaps the well-described 15q11.2 microdeletion syndrome which has been reported in many cases in the literature. Based on collective evidence, this CNV is classified as pathogenic.